The following is an entry in ClinVar:

NM_000256.3(MYBPC3):c.2078C>T (p.Ala693Val)

Gene: MYBPC3 (myosin binding protein C3; minus strand). Cytogenetic location: 11p11.2.
Variant type: single nucleotide variant.
Coding change: c.2078C>T on transcript NM_000256.3 (MANE Select); coding-DNA position 2078, C replaced by T.
Protein change: p.Ala693Val; replaces alanine 693 with valine.
Molecular consequence: missense variant.
Genome position (GRCh38, 1-based): chr11:47,339,394, G>A on the plus strand (C>T on the coding strand, the complement: MYBPC3 is on the minus strand). VCF-style: chr11-47339394-G-A. GRCh37 (hg19) VCF-style: chr11-47360945-G-A.
Other names: short protein forms A693V.
Identifiers: ClinVar variation 810769 (VCV000810769.8), dbSNP rs896073779, ClinGen allele CA221690789.

ClinVar aggregate classification (germline): Uncertain significance. Review status: criteria provided, multiple submitters, no conflicts (2 of 4 stars). 4 submissions from 4 submitters: Uncertain significance (4). Last evaluated 2025-06-11.

Conditions:
Cardiomyopathy (CMYO). Also called: Cardiomyopathies. Identifiers: Orphanet 167848, MedGen C0878544, MONDO:0004994, HP:0001638. Inheritance: Various modes of inheritance.
Hypertrophic cardiomyopathy 4. Also called: Familial hypertrophic cardiomyopathy 4. Identifiers: MedGen C1861862, MONDO:0007268, OMIM 115197.
Hypertrophic cardiomyopathy. Also called: HYPERTROPHIC MYOCARDIOPATHY. Identifiers: Orphanet 217569, MedGen C0007194, MeSH D002312, MONDO:0005045, HP:0001639.

Allele frequency attached by ClinVar (database versions not stated): gnomAD exomes below 0.00001; gnomAD 0.00001 and below 0.00001.
gnomAD v4.1: 2 of 1,613,894 alleles (0.00012%); highest among the groups gnomAD compares: South Asian, 0.0022%; no homozygotes.

Submissions (4):

Color Diagnostics, LLC DBA Color Health
Classification: Uncertain significance for Cardiomyopathy. Last evaluated: 2025-06-11. Review status: criteria provided, single submitter. Criteria: ACMG Guidelines, 2015. Collection method: clinical testing. Allele origin: germline.
Comment: This missense variant replaces alanine with valine at codon 693 of the MYBPC3 protein. Computational prediction suggests that this variant may not impact protein structure and function. To our knowledge, functional studies have not been reported for this variant. This variant has been reported in individuals affected with hypertrophic cardiomyopathy (PMID: 28790153, 33782553). This variant has been identified in 1/249168 chromosomes in the general population by the Genome Aggregation Database (gnomAD). The available evidence is insufficient to determine the role of this variant in disease conclusively. Therefore, this variant is classified as a Variant of Uncertain Significance.

Labcorp Genetics (formerly Invitae), Labcorp
Classification: Uncertain significance for Hypertrophic cardiomyopathy. Last evaluated: 2022-09-01. Review status: criteria provided, single submitter. Criteria: Invitae Variant Classification Sherloc (09022015). Collection method: clinical testing. Allele origin: germline.
Comment: This sequence change replaces alanine, which is neutral and non-polar, with valine, which is neutral and non-polar, at codon 693 of the MYBPC3 protein (p.Ala693Val). This variant is present in population databases (no rsID available, gnomAD 0.003%). This missense change has been observed in individual(s) with hypertrophic cardiomyopathy (PMID: 28790153, 33782553). ClinVar contains an entry for this variant (Variation ID: 810769). Algorithms developed to predict the effect of missense changes on protein structure and function output the following: SIFT: "Tolerated"; PolyPhen-2: "Benign"; Align-GVGD: "Class C0". The valine amino acid residue is found in multiple mammalian species, which suggests that this missense change does not adversely affect protein function. In summary, the available evidence is currently insufficient to determine the role of this variant in disease. Therefore, it has been classified as a Variant of Uncertain Significance.

Agnes Ginges Centre for Molecular Cardiology, Centenary Institute
Classification: Uncertain significance for Hypertrophic cardiomyopathy 4. Last evaluated: 2018-10-15. Review status: criteria provided, single submitter. Criteria: ACMG Guidelines, 2015. Collection method: research. Allele origin: germline. Inheritance: Autosomal dominant inheritance. Affected: yes.
Comment: This MYBPC3 Ala693Val variant has not been reported previously in literature. This variant is rare and is present as a singleton event in the Genome Aggregation Database (AF= 0.000004). Computational tools SIFT, MutationTaster, PolyPhen-HCM and PolyPhen-2 predict this variant to have a benign effect. In summary, based on this evidence we classify MYBPC3 Ala693Val as a variant of "uncertain significance"

CHEO Genetics Diagnostic Laboratory, Children's Hospital of Eastern Ontario
Classification: Uncertain significance for Cardiomyopathy. Last evaluated: 2018-06-28. Review status: criteria provided, single submitter. Criteria: ACMG Guidelines, 2015. Collection method: clinical testing. Allele origin: germline.

Literature cited by the submitters: PubMed 28790153 (cited by 3 submitters); PubMed 33782553 (cited by Color Diagnostics, LLC DBA Color Health and Labcorp Genetics (formerly Invitae), Labcorp).